The following is an entry in ClinVar:

NM_000117.3(EMD):c.715C>T (p.Leu239Phe)

Gene: EMD (emerin; plus strand). Cytogenetic location: Xq28.
Variant type: single nucleotide variant.
Coding change: c.715C>T on transcript NM_000117.3 (MANE Select); coding-DNA position 715, C replaced by T.
Protein change: p.Leu239Phe; replaces leucine 239 with phenylalanine.
Molecular consequence: missense variant.
Genome position (GRCh38, 1-based): chrX:154,381,147, C>T. VCF-style: chrX-154381147-C-T. GRCh37 (hg19) VCF-style: chrX-153609507-C-T.
Other names: short protein forms L239F.
Identifiers: ClinVar variation 1199349 (VCV001199349.6), dbSNP rs2067886585, ClinGen allele CA415259345.

ClinVar aggregate classification (germline): Uncertain significance. Review status: criteria provided, multiple submitters, no conflicts (2 of 4 stars). 3 submissions from 3 submitters: Uncertain significance (3). Last evaluated 2025-02-20.

Conditions:
Cardiovascular phenotype. Identifiers: MedGen CN230736.
X-linked Emery-Dreifuss muscular dystrophy. Also called: Muscular dystrophy, tardive Emery-Dreifuss type, with contractures. Identifiers: Orphanet 261, Orphanet 98863, MedGen C0751337, MONDO:0010680.

Allele frequency attached by ClinVar (database versions not stated): gnomAD exomes below 0.00001; TOPMed 0.00001.
gnomAD v4.1: 1 of 1,211,701 alleles (0.000083%); highest among the groups gnomAD compares: African/African-American, 0.0017%; no homozygotes.

Submissions (3):

Labcorp Genetics (formerly Invitae), Labcorp
Classification: Uncertain significance for X-linked Emery-Dreifuss muscular dystrophy. Last evaluated: 2025-02-20. Review status: criteria provided, single submitter. Criteria: Invitae Variant Classification Sherloc (09022015). Collection method: clinical testing. Allele origin: germline.
Comment: This sequence change replaces leucine, which is neutral and non-polar, with phenylalanine, which is neutral and non-polar, at codon 239 of the EMD protein (p.Leu239Phe). This variant is not present in population databases (gnomAD no frequency). This variant has not been reported in the literature in individuals affected with EMD-related conditions. ClinVar contains an entry for this variant (Variation ID: 1199349). Invitae Evidence Modeling of protein sequence and biophysical properties (such as structural, functional, and spatial information, amino acid conservation, physicochemical variation, residue mobility, and thermodynamic stability) indicates that this missense variant is not expected to disrupt EMD protein function with a negative predictive value of 80%. In summary, the available evidence is currently insufficient to determine the role of this variant in disease. Therefore, it has been classified as a Variant of Uncertain Significance.

Genome-Nilou Lab
Classification: Uncertain significance for Emery-Dreifuss muscular dystrophy 1, X-linked. Last evaluated: 2021-07-14. Review status: criteria provided, single submitter. Criteria: ACMG Guidelines, 2015. Collection method: clinical testing. Allele origin: germline. Affected: no.

Ambry Genetics
Classification: Uncertain significance for Cardiovascular phenotype. Last evaluated: 2019-11-19. Review status: criteria provided, single submitter. Criteria: Ambry Variant Classification Scheme 2023. Collection method: clinical testing. Allele origin: germline.
Comment: The p.L239F variant (also known as c.715C>T), located in coding exon 6 of the EMD gene, results from a C to T substitution at nucleotide position 715. The leucine at codon 239 is replaced by phenylalanine, an amino acid with highly similar properties. This amino acid position is well conserved in available vertebrate species. In addition, the in silico prediction for this alteration is inconclusive. Since supporting evidence is limited at this time, the clinical significance of this alteration remains unclear.